The following is an entry in ClinVar:

NM_033124.5(DRC2):c.195G>A (p.Trp65Ter)

Gene: DRC2 (dynein regulatory complex subunit 2; plus strand). Cytogenetic location: 12q13.12.
Variant type: single nucleotide variant.
Coding change: c.195G>A on transcript NM_033124.5 (MANE Select); coding-DNA position 195, G replaced by A.
Protein change: p.Trp65Ter; replaces tryptophan 65 with a stop codon.
Molecular consequence: nonsense. On other transcripts: 5 prime UTR variant (1).
Genome position (GRCh38, 1-based): chr12:48,905,008, G>A. VCF-style: chr12-48905008-G-A. GRCh37 (hg19) VCF-style: chr12-49298791-G-A.
Other names: c.-235G>A (NM_001286957.2); short protein forms W65*.
Identifiers: ClinVar variation 2156089 (VCV002156089.4), dbSNP rs948326397, ClinGen allele CA236610870.

ClinVar aggregate classification (germline): Pathogenic (1 of 4 stars; one submission).

Conditions:
Primary ciliary dyskinesia 27. Also called: CILIARY DYSKINESIA, PRIMARY, 27, WITHOUT SITUS INVERSUS. Identifiers: Orphanet 244, MedGen C3809701, MONDO:0014215, OMIM 615504.

Allele frequency attached by ClinVar (database versions not stated): gnomAD exomes 0.00001.
gnomAD v4.1: 3 of 1,614,082 alleles (0.00019%); highest among the groups gnomAD compares: Admixed American, 0.005%; no homozygotes.

Submission:

Labcorp Genetics (formerly Invitae), Labcorp
Classification: Pathogenic for Primary ciliary dyskinesia 27. Last evaluated: 2026-01-23. Review status: criteria provided, single submitter. Criteria: Invitae Variant Classification Sherloc (09022015). Collection method: clinical testing. Allele origin: germline.
Comment: This sequence change creates a premature translational stop signal (p.Trp65*) in the CCDC65 gene. It is expected to result in an absent or disrupted protein product. Loss-of-function variants in CCDC65 are known to be pathogenic (PMID: 23991085, 24094744). This variant is present in population databases (no rsID available, gnomAD 0.009%). This variant has not been reported in the literature in individuals affected with CCDC65-related conditions. ClinVar contains an entry for this variant (Variation ID: 2156089). For these reasons, this variant has been classified as Pathogenic.

Literature cited by the submitters: PubMed 23991085; PubMed 24094744.